The following is an entry in ClinVar:

ClinVar aggregate classification (germline): Likely pathogenic (1 of 4 stars; one submission).

Conditions:
Familial cancer of breast. Also called: Hereditary breast cancer; BREAST CANCER, FAMILIAL; hereditary breast carcinoma. Identifiers: Orphanet 227535, MedGen C0346153, MONDO:0016419, OMIM 114480. Disease mechanism: loss of function.
Fanconi anemia complementation group J. Also called: BRIP1-Related Fanconi Anemia. Identifiers: Orphanet 84, MedGen C1836860, MONDO:0012187, OMIM 609054.

Submission:

Labcorp Genetics (formerly Invitae), Labcorp
Classification: Likely pathogenic for Familial cancer of breast; Fanconi anemia complementation group J. Last evaluated: 2022-07-06. Review status: criteria provided, single submitter. Criteria: Invitae Variant Classification Sherloc (09022015). Collection method: clinical testing. Allele origin: germline.
Comment: This sequence change affects an acceptor splice site in intron 6 of the BRIP1 gene. It is expected to disrupt RNA splicing. Variants that disrupt the donor or acceptor splice site typically lead to a loss of protein function (PMID: 16199547), and loss-of-function variants in BRIP1 are known to be pathogenic (PMID: 16116423, 17033622, 21964575). This variant is not present in population databases (gnomAD no frequency). This variant has not been reported in the literature in individuals affected with BRIP1-related conditions. ClinVar contains an entry for this variant (Variation ID: 1065976). Algorithms developed to predict the effect of sequence changes on RNA splicing suggest that this variant may disrupt the consensus splice site. In summary, the currently available evidence indicates that the variant is pathogenic, but additional data are needed to prove that conclusively. Therefore, this variant has been classified as Likely Pathogenic.

Literature cited by the submitters: PubMed 16199547; PubMed 16116423; PubMed 17033622; PubMed 21964575.

NM_032043.3(BRIP1):c.628-2A>T

Gene: BRIP1 (BRCA1 interacting DNA helicase 1; minus strand). Cytogenetic location: 17q23.2.
Variant type: single nucleotide variant.
Coding change: c.628-2A>T on transcript NM_032043.3 (MANE Select); the canonical splice acceptor site of the intron before coding-DNA position 628, A replaced by T.
Molecular consequence: splice acceptor variant.
Genome position (GRCh38, 1-based): chr17:61,808,759, T>A on the plus strand (A>T on the coding strand, the complement: BRIP1 is on the minus strand). VCF-style: chr17-61808759-T-A. GRCh37 (hg19) VCF-style: chr17-59886120-T-A.
Identifiers: ClinVar variation 1065976 (VCV001065976.8), dbSNP rs995056553, ClinGen allele CA400485252.
Genomic context (GRCh38, chr17:61,808,759, plus strand): 5'-GACTCTTGACTGTTTCCTTGTTTAGTAGAACAACAGCACCTAGAACAGTGGCCAGGGGGC[T>A]GTAAGAAAGGAAAGAAACGATAACTAATATCTAAACTACCATAAAAAACGTTATCAAACC-3'